The following is an entry in ClinVar:

NM_017617.5(NOTCH1):c.1027G>A (p.Ala343Thr)

Gene: NOTCH1 (notch receptor 1; minus strand). Cytogenetic location: 9q34.3.
Variant type: single nucleotide variant.
Coding change: c.1027G>A on transcript NM_017617.5 (MANE Select); coding-DNA position 1027, G replaced by A.
Protein change: p.Ala343Thr; replaces alanine 343 with threonine.
Molecular consequence: missense variant.
Genome position (GRCh38, 1-based): chr9:136,518,663, C>T on the plus strand (G>A on the coding strand, the complement: NOTCH1 is on the minus strand). VCF-style: chr9-136518663-C-T. GRCh37 (hg19) VCF-style: chr9-139413115-C-T.
Other names: short protein forms A343T.
Identifiers: ClinVar variation 1006021 (VCV001006021.8), dbSNP rs1843317533, ClinGen allele CA375565379.

ClinVar aggregate classification (germline): Uncertain significance (1 of 4 stars; one submission).

Conditions:
Adams-Oliver syndrome 5 (AOS5). Identifiers: Orphanet 974, MedGen C4014970, MONDO:0014459, OMIM 616028.

Allele frequency attached by ClinVar (database versions not stated): gnomAD below 0.00001 and 0.00001; gnomAD exomes below 0.00001.
gnomAD v4.1: 6 of 1,612,094 alleles (0.00037%); highest among the groups gnomAD compares: South Asian, 0.0022%; no homozygotes.

Submission:

Labcorp Genetics (formerly Invitae), Labcorp
Classification: Uncertain significance for Adams-Oliver syndrome 5. Last evaluated: 2023-07-03. Review status: criteria provided, single submitter. Criteria: Invitae Variant Classification Sherloc (09022015). Collection method: clinical testing. Allele origin: germline.
Comment: In summary, the available evidence is currently insufficient to determine the role of this variant in disease. Therefore, it has been classified as a Variant of Uncertain Significance. Advanced modeling of protein sequence and biophysical properties (such as structural, functional, and spatial information, amino acid conservation, physicochemical variation, residue mobility, and thermodynamic stability) performed at Invitae indicates that this missense variant is not expected to disrupt NOTCH1 protein function. This sequence change replaces alanine, which is neutral and non-polar, with threonine, which is neutral and polar, at codon 343 of the NOTCH1 protein (p.Ala343Thr). This variant is not present in population databases (gnomAD no frequency). This variant has not been reported in the literature in individuals affected with NOTCH1-related conditions. ClinVar contains an entry for this variant (Variation ID: 1006021).